The following is an entry in ClinVar:

ClinVar aggregate classification (germline): Uncertain significance (1 of 4 stars; one submission).

Submission:

Labcorp Genetics (formerly Invitae), Labcorp
Classification: Uncertain significance. Last evaluated: 2025-10-18. Review status: criteria provided, single submitter. Criteria: Invitae Variant Classification Sherloc (09022015). Collection method: clinical testing. Allele origin: germline.
Comment: This sequence change replaces valine, which is neutral and non-polar, with leucine, which is neutral and non-polar, at codon 660 of the RASA2 protein (p.Val660Leu). This variant is not present in population databases (gnomAD no frequency). This variant has not been reported in the literature in individuals affected with RASA2-related conditions. Invitae Evidence Modeling of protein sequence and biophysical properties (such as structural, functional, and spatial information, amino acid conservation, physicochemical variation, residue mobility, and thermodynamic stability) indicates that this missense variant is expected to disrupt RASA2 protein function with a positive predictive value of 80%. In summary, the available evidence is currently insufficient to determine the role of this variant in disease. Therefore, it has been classified as a Variant of Uncertain Significance.

NM_006506.5(RASA2):c.1978G>T (p.Val660Leu)

Gene: RASA2 (RAS p21 protein activator 2; plus strand). Cytogenetic location: 3q23.
Variant type: single nucleotide variant.
Coding change: c.1978G>T on transcript NM_006506.5 (MANE Select); coding-DNA position 1978, G replaced by T.
Protein change: p.Val660Leu; replaces valine 660 with leucine.
Molecular consequence: missense variant.
Genome position (GRCh38, 1-based): chr3:141,607,722, G>T. VCF-style: chr3-141607722-G-T. GRCh37 (hg19) VCF-style: chr3-141326564-G-T.
Other names: c.1981G>T, p.Val661Leu (NM_001303245.3); c.1990G>T, p.Val664Leu (NM_001303246.3); short protein forms V660L, V661L, V664L.
Identifiers: ClinVar variation 4746542 (VCV004746542.1).